The following is an entry in ClinVar:

NM_004371.4(COPA):c.3559C>T (p.Leu1187Phe)

Gene: COPA (coat protein complex I subunit alpha; minus strand). Cytogenetic location: 1q23.2.
Variant type: single nucleotide variant.
Coding change: c.3559C>T on transcript NM_004371.4 (MANE Select); coding-DNA position 3559, C replaced by T.
Protein change: p.Leu1187Phe; replaces leucine 1187 with phenylalanine.
Molecular consequence: missense variant.
Genome position (GRCh38, 1-based): chr1:160,290,548, G>A on the plus strand (C>T on the coding strand, the complement: COPA is on the minus strand). VCF-style: chr1-160290548-G-A. GRCh37 (hg19) VCF-style: chr1-160260338-G-A.
Other names: c.3586C>T, p.Leu1196Phe (NM_001098398.2); short protein forms L1196F, L1187F.
Identifiers: ClinVar variation 3667427 (VCV003667427.2).

ClinVar aggregate classification (germline): Uncertain significance (1 of 4 stars; one submission).

Conditions:
Autoimmune interstitial lung disease-arthritis syndrome. Also called: Autoinflammation and autoimmunity, systemic, with immune dysregulation. Identifiers: Orphanet 444092, MedGen C5975714, MONDO:0014629.

Submission:

Labcorp Genetics (formerly Invitae), Labcorp
Classification: Uncertain significance for Autoimmune interstitial lung disease-arthritis syndrome. Last evaluated: 2024-11-19. Review status: criteria provided, single submitter. Criteria: Invitae Variant Classification Sherloc (09022015). Collection method: clinical testing. Allele origin: germline.
Comment: This sequence change replaces leucine, which is neutral and non-polar, with phenylalanine, which is neutral and non-polar, at codon 1187 of the COPA protein (p.Leu1187Phe). This variant is not present in population databases (gnomAD no frequency). This variant has not been reported in the literature in individuals affected with COPA-related conditions. Invitae Evidence Modeling of protein sequence and biophysical properties (such as structural, functional, and spatial information, amino acid conservation, physicochemical variation, residue mobility, and thermodynamic stability) indicates that this missense variant is not expected to disrupt COPA protein function with a negative predictive value of 80%. In summary, the available evidence is currently insufficient to determine the role of this variant in disease. Therefore, it has been classified as a Variant of Uncertain Significance.